The following is an entry in ClinVar:

NM_002294.3(LAMP2):c.271C>T (p.Gln91Ter)

Gene: LAMP2 (lysosome associated membrane protein 2; minus strand). Cytogenetic location: Xq24.
Variant type: single nucleotide variant.
Coding change: c.271C>T on transcript NM_002294.3 (MANE Select); coding-DNA position 271, C replaced by T.
Protein change: p.Gln91Ter; replaces glutamine 91 with a stop codon.
Molecular consequence: nonsense.
Genome position (GRCh38, 1-based): chrX:120,455,483, G>A on the plus strand (C>T on the coding strand, the complement: LAMP2 is on the minus strand). VCF-style: chrX-120455483-G-A. GRCh37 (hg19) VCF-style: chrX-119589338-G-A.
Other names: c.271C>T, p.Gln91Ter (NM_001122606.1, NM_013995.2); short protein forms Q91*.
Identifiers: ClinVar variation 4731738 (VCV004731738.1).

ClinVar aggregate classification (germline): Pathogenic (1 of 4 stars; one submission).

Conditions:
Danon disease. Also called: GSD IIb; LYSOSOMAL GLYCOGEN STORAGE DISEASE WITHOUT ACID MALTASE DEFICIENCY; Glycogen Storage Disease Type IIb; ANTOPOL DISEASE; PSEUDOGLYCOGENOSIS II. Identifiers: Orphanet 34587, MedGen C0878677, MONDO:0010281, OMIM 300257.

Submission:

Labcorp Genetics (formerly Invitae), Labcorp
Classification: Pathogenic for Danon disease. Last evaluated: 2025-11-23. Review status: criteria provided, single submitter. Criteria: Invitae Variant Classification Sherloc (09022015). Collection method: clinical testing. Allele origin: germline.
Comment: This sequence change creates a premature translational stop signal (p.Gln91*) in the LAMP2 gene. It is expected to result in an absent or disrupted protein product. Loss-of-function variants in LAMP2 are known to be pathogenic (PMID: 21415759). This variant is not present in population databases (gnomAD no frequency). This variant has not been reported in the literature in individuals affected with LAMP2-related conditions. For these reasons, this variant has been classified as Pathogenic.

Literature cited by the submitters: PubMed 21415759.